The following is an entry in ClinVar:

ClinVar aggregate classification (germline): Uncertain significance (1 of 4 stars; one submission).

Conditions:
Hereditary cancer-predisposing syndrome. Also called: Neoplastic Syndromes, Hereditary; Tumor predisposition; Hereditary neoplastic syndrome; Hereditary Cancer Syndrome. Identifiers: Orphanet 140162, MedGen C0027672, MeSH D009386, MONDO:0015356.

Submission:

Ambry Genetics
Classification: Uncertain significance for Hereditary cancer-predisposing syndrome. Last evaluated: 2023-10-05. Review status: criteria provided, single submitter. Criteria: Ambry Variant Classification Scheme 2023. Collection method: clinical testing. Allele origin: germline.
Comment: The p.Q1918P variant (also known as c.5753A>C), located in coding exon 26 of the DICER1 gene, results from an A to C substitution at nucleotide position 5753. The glutamine at codon 1918 is replaced by proline, an amino acid with similar properties. This amino acid position is conserved. In addition, the in silico prediction for this alteration is inconclusive. Since supporting evidence is limited at this time, the clinical significance of this alteration remains unclear.

NM_177438.3(DICER1):c.5753A>C (p.Gln1918Pro)

Gene: DICER1 (dicer 1, ribonuclease III; minus strand). Cytogenetic location: 14q32.13.
Variant type: single nucleotide variant.
Coding change: c.5753A>C on transcript NM_177438.3 (MANE Select); coding-DNA position 5753, A replaced by C.
Protein change: p.Gln1918Pro; replaces glutamine 1918 with proline.
Molecular consequence: missense variant. On other transcripts: 3 prime UTR variant (1), non-coding transcript variant (6).
Genome position (GRCh38, 1-based): chr14:95,090,514, T>G on the plus strand (A>C on the coding strand, the complement: DICER1 is on the minus strand). VCF-style: chr14-95090514-T-G. GRCh37 (hg19) VCF-style: chr14-95556851-T-G.
Other names: c.*100A>C (NM_001195573.1); c.5753A>C, p.Gln1918Pro (NM_001271282.3, NM_001291628.2, NM_001395677.1 and 8 more transcripts); c.5471A>C, p.Gln1824Pro (NM_001395686.1); c.5348A>C, p.Gln1783Pro (NM_001395687.1, NM_001395688.1, NM_001395689.1 and 1 more transcripts); c.5186A>C, p.Gln1729Pro (NM_001395691.1); c.4070A>C, p.Gln1357Pro (NM_001395697.1); short protein forms Q1357P, Q1729P, Q1783P, Q1824P, Q1918P.
Identifiers: ClinVar variation 3229442 (VCV003229442.1), dbSNP rs1451403510, ClinGen allele CA390862900.